The following is an entry in ClinVar:

NC_000003.12:g.(?_150940471)_(150945689_?)del

Gene: CLRN1 (clarin 1; minus strand). Cytogenetic location: 3q25.1.
Variant type: Deletion.
Identifiers: ClinVar variation 830515 (VCV000830515.5).

ClinVar aggregate classification (germline): Likely pathogenic (1 of 4 stars; one submission).

Submission:

Labcorp Genetics (formerly Invitae), Labcorp
Classification: Likely pathogenic. Last evaluated: 2022-09-29. Review status: criteria provided, single submitter. Criteria: Invitae Variant Classification Sherloc (09022015). Collection method: clinical testing. Allele origin: germline.
Comment: This variant is a gross deletion of the genomic region encompassing exon(s) 2 of the CLRN1 gene. This variant would be expected to be in-frame, preserving the integrity of the reading frame. This variant has not been reported in the literature in individuals affected with CLRN1-related conditions. This variant disrupts the p.Met120 amino acid residue in CLRN1. Other variant(s) that disrupt this residue have been determined to be pathogenic (PMID: 11524702, 29068140). This suggests that this residue is clinically significant, and that variants that disrupt this residue are likely to be disease-causing. In summary, the currently available evidence indicates that the variant is pathogenic, but additional data are needed to prove that conclusively. Therefore, this variant has been classified as Likely Pathogenic.

Literature cited by the submitters: PubMed 11524702; PubMed 29068140.